The following is an entry in ClinVar:

ClinVar aggregate classification (germline): Conflicting classifications of pathogenicity. Review status: criteria provided, conflicting classifications (1 of 4 stars). 15 submissions from 15 submitters: Uncertain significance (1); Benign (4); Likely benign (9). 1 of the submissions does not count toward it. Last evaluated 2026-08-01.

Conditions:
Autoinflammatory syndrome. Identifiers: Orphanet 93665, MedGen C3890737, MONDO:0019751.
Chédiak-Higashi syndrome (CHS). Also called: Chediak-Higashi Syndrome. Identifiers: Orphanet 167, MedGen C0007965, MONDO:0008963, OMIM 214500.

Allele frequency attached by ClinVar (database versions not stated): 1000 Genomes Project 0.00180; 1000 Genomes Project 30x 0.00187; gnomAD exomes 0.00439 and 0.00752; gnomAD 0.00478 and 0.00485; ESP Exome Variant Server 0.00608; TOPMed 0.00454; ExAC 0.00463.
gnomAD v4.1: 11,626 of 1,611,734 alleles (0.72%); highest among the groups gnomAD compares: Non-Finnish European, 0.89%; 60 homozygotes.

Submissions (15):

CeGaT Center for Human Genetics Tuebingen
Classification: Likely benign. Last evaluated: 2026-08-01. Review status: criteria provided, single submitter. Criteria: CeGaT Center For Human Genetics Tuebingen Variant Classification Criteria Version 2. Collection method: clinical testing. Allele origin: germline. Affected: yes. Observed: 8 variant alleles.
Comment: LYST: PM5, BS2

Labcorp Genetics (formerly Invitae), Labcorp
Classification: Benign for Chédiak-Higashi syndrome. Last evaluated: 2026-02-02. Review status: criteria provided, single submitter. Criteria: Invitae Variant Classification Sherloc (09022015). Collection method: clinical testing. Allele origin: germline.

Blueprint Genetics
Classification: Likely benign. Last evaluated: 2024-11-25. Review status: criteria provided, single submitter. Criteria: ACMG Guidelines, 2015. Collection method: clinical testing. Allele origin: germline.

Mayo Clinic Laboratories, Mayo Clinic
Classification: Benign. Last evaluated: 2024-07-01. Review status: criteria provided, single submitter. Criteria: ACMG Guidelines, 2015. Collection method: clinical testing. Allele origin: germline. Observed: 36 variant alleles.
Comment: BA1, BS2, BP4_moderate

Center for Genomics, Ann and Robert H. Lurie Children's Hospital of Chicago
Classification: Likely benign for Chédiak-Higashi syndrome. Last evaluated: 2022-08-23. Review status: criteria provided, single submitter. Criteria: ACMG Guidelines, 2015. Collection method: clinical testing. Allele origin: germline.
Comment: This variant has not been reported in the literature but is present in the Genome Aggregation Database (Highest reported MAF 0.7% (539/68038) including 2 homozygotes. This variant is present in ClinVar, with several labs classifying this variant as Benign or Likely benign (Variation ID:235239). This variant amino acid Alanine (Ala) is present in multiple species including at least one mammal and is not well conserved among evolutionarily distant species; this suggests that this variant may not impact the protein. Additional computational prediction tools do not suggest an impact. In summary, data on this variant suggests that this variant does not cause disease but requires further evidence. Therefore, this variant is classified as likely benign.

Genome Diagnostics Laboratory, The Hospital for Sick Children
Classification: Likely benign for Autoinflammatory syndrome. Last evaluated: 2021-06-25. Review status: criteria provided, single submitter. Criteria: ACMG Guidelines, 2015. Collection method: clinical testing. Allele origin: germline. Affected: yes.

Johns Hopkins Genomics, Johns Hopkins University
Classification: Likely benign for Chédiak-Higashi syndrome. Last evaluated: 2020-08-17. Review status: criteria provided, single submitter. Criteria: ACMG Guidelines, 2015. Collection method: clinical testing. Allele origin: germline.

GeneDx
Classification: Likely benign. Last evaluated: 2020-03-19. Review status: criteria provided, single submitter. Criteria: GeneDx Variant Classification Process June 2021. Collection method: clinical testing. Allele origin: germline. Affected: yes.

Illumina Laboratory Services, Illumina
Classification: Benign for Chédiak-Higashi syndrome. Last evaluated: 2017-04-27. Review status: criteria provided, single submitter. Criteria: ICSL Variant Classification Criteria 13 December 2019. Collection method: clinical testing. Allele origin: germline.
Comment: This variant was observed as part of a predisposition screen in an ostensibly healthy population. A literature search was performed for the gene, cDNA change, and amino acid change (where applicable). Publications were found based on this search. The evidence from the literature, in combination with allele frequency data from public databases where available, was sufficient to rule this variant out of causing disease. Therefore, this variant is classified as benign.

Clinical Genetics DNA and cytogenetics Diagnostics Lab, Erasmus MC, Erasmus Medical Center
Classification: Likely benign for Chédiak-Higashi syndrome. Last evaluated: 2016-11-15. Review status: criteria provided, single submitter. Criteria: ACGS Guidelines, 2013. Collection method: clinical testing. Allele origin: germline. Affected: yes. Study: VKGL Data-share Consensus.

Genetic Services Laboratory, University of Chicago
Classification: Uncertain significance. Last evaluated: 2016-11-04. Review status: criteria provided, single submitter. Criteria: ACMG Guidelines, 2015. Collection method: clinical testing. Allele origin: germline. Affected: no.

Center for Pediatric Genomic Medicine, Children's Mercy Hospital and Clinics
Classification: Likely benign. Last evaluated: 2016-05-09. Review status: criteria provided, single submitter. Criteria: ACMG Guidelines, 2015. Collection method: clinical testing. Allele origin: germline.

Genome Diagnostics Laboratory, University Medical Center Utrecht
Classification: Likely benign for Chédiak-Higashi syndrome. Last evaluated: 2014-10-09. Review status: criteria provided, single submitter. Criteria: ACGS Guidelines, 2013. Collection method: clinical testing. Allele origin: germline. Affected: yes. Study: VKGL Data-share Consensus.

PreventionGenetics, part of Exact Sciences
Classification: Benign. Review status: criteria provided, single submitter. Criteria: ACMG Guidelines, 2015. Collection method: clinical testing. Allele origin: germline.

Laboratory of Diagnostic Genome Analysis, Leiden University Medical Center (LUMC)
Classification: Likely benign. Review status: no assertion criteria provided. Collection method: clinical testing. Allele origin: germline. Affected: yes. Study: VKGL Data-share Consensus. Not counted in ClinVar's aggregate classification.

Literature cited by the submitters: PubMed 25047945 (cited by Mayo Clinic Laboratories, Mayo Clinic and Illumina Laboratory Services, Illumina); PubMed 36203604 (cited by Mayo Clinic Laboratories, Mayo Clinic).

NM_000081.4(LYST):c.5518T>G (p.Ser1840Ala)

Gene: LYST (lysosomal trafficking regulator; minus strand). Cytogenetic location: 1q42.3.
Variant type: single nucleotide variant.
Coding change: c.5518T>G on transcript NM_000081.4 (MANE Select); coding-DNA position 5518, T replaced by G.
Protein change: p.Ser1840Ala; replaces serine 1840 with alanine.
Molecular consequence: missense variant.
Genome position (GRCh38, 1-based): chr1:235,775,029, A>C on the plus strand (T>G on the coding strand, the complement: LYST is on the minus strand). VCF-style: chr1-235775029-A-C. GRCh37 (hg19) VCF-style: chr1-235938329-A-C.
Other names: p.Ser1840Ala; c.5518T>G, p.Ser1840Ala (NM_001301365.1); short protein forms S1840A.
Identifiers: ClinVar variation 235239 (VCV000235239.75), dbSNP rs115330112, ClinGen allele CA1466606.
Genomic context (GRCh38, chr1:235,775,029, plus strand): 5'-TAGAAAGTCCATTACAATTTTCTAATTCATGTACTCTTTGTTGGTTGTATTTAATTAATG[A>C]GAGTATAACTCGCAGTGCTAATGCTTGAGTTTCTTCACAGCTACTGAGTTCAACAACCTA-3'
Protein context (NP_000072.2, residues 1830-1850): TQALALRVIL[Ser1840Ala]LIKYNQQRVH